The following is an entry in ClinVar:

NM_000038.6(APC):c.6512G>A (p.Gly2171Glu)

Gene: APC (APC regulator of Wnt signaling pathway; plus strand). Cytogenetic location: 5q22.2.
Variant type: single nucleotide variant.
Coding change: c.6512G>A on transcript NM_000038.6 (MANE Select); coding-DNA position 6512, G replaced by A.
Protein change: p.Gly2171Glu; replaces glycine 2171 with glutamic acid.
Molecular consequence: missense variant.
Genome position (GRCh38, 1-based): chr5:112,842,106, G>A. VCF-style: chr5-112842106-G-A. GRCh37 (hg19) VCF-style: chr5-112177803-G-A.
Other names: c.6512G>A, p.Gly2171Glu (NM_001127510.3, NM_001354895.2); c.6458G>A, p.Gly2153Glu (NM_001127511.3); c.6566G>A, p.Gly2189Glu (NM_001354896.2); c.6542G>A, p.Gly2181Glu (NM_001354897.2); c.6437G>A, p.Gly2146Glu (NM_001354898.2); c.6428G>A, p.Gly2143Glu (NM_001354899.2); c.6389G>A, p.Gly2130Glu (NM_001354900.2); c.6335G>A, p.Gly2112Glu (NM_001354901.2); and 5 more; short protein forms G2153E, G2171E, G2080E, G2143E, G2130E, G2189E, G2011E, G2045E.
Identifiers: ClinVar variation 470051 (VCV000470051.31), dbSNP rs748745776, ClinGen allele CA045165.

ClinVar aggregate classification (germline): Conflicting classifications of pathogenicity. Review status: criteria provided, conflicting classifications (1 of 4 stars). 10 submissions from 10 submitters: Uncertain significance (8); Likely benign (2). Last evaluated 2025-12-31.

Conditions:
Cancer or benign tumor. Also called: Cell proliferation disorder. Identifiers: MedGen CN377727, MONDO:0045024.
Classic or attenuated familial adenomatous polyposis. Identifiers: MedGen CN372698, MONDO:0021057.
APC-related disorder. Also called: APC-related condition.
Hereditary cancer-predisposing syndrome. Also called: Tumor predisposition; Hereditary neoplastic syndrome; Neoplastic Syndromes, Hereditary; Hereditary Cancer Syndrome. Identifiers: Orphanet 140162, MedGen C0027672, MeSH D009386, MONDO:0015356.
Familial adenomatous polyposis 1 (FAP1). Also called: POLYPOSIS, ADENOMATOUS INTESTINAL; FAMILIAL ADENOMATOUS POLYPOSIS 1, ATTENUATED. Identifiers: MedGen C2713442, MONDO:0021056, OMIM 175100. Disease mechanism: loss of function.

Allele frequency attached by ClinVar (database versions not stated): gnomAD 0.00002; TOPMed 0.00002; gnomAD exomes 0.00004 and 0.00005; ExAC 0.00009.
gnomAD v4.1: 68 of 1,610,952 alleles (0.0042%); highest among the groups gnomAD compares: Non-Finnish European, 0.0052%; no homozygotes.

Submissions (10):

PreventionGenetics, part of Exact Sciences
Classification: Uncertain significance for APC-related condition. Last evaluated: 2025-12-31. Review status: criteria provided, single submitter. Criteria: ACMG Guidelines, 2015. Collection method: clinical testing. Allele origin: germline.
Comment: The APC c.6512G>A variant is predicted to result in the amino acid substitution p.Gly2171Glu. This variant has been reported in the literature in individuals colon cancer and in individuals undergoing panel testing for Lynch syndrome (Gordon et al. 2019. PubMed ID: 31422818; Yurgelun et al. 2015. PubMed ID: 25980754). This variant is reported in 0.0093% of alleles in individuals of European (Non-Finnish) descent in gnomAD. This variant has conflicting interpretations in ClinVar ranging from uncertain to likely benign. At this time, the clinical significance of this variant is uncertain due to the absence of conclusive functional and genetic evidence.

Labcorp Genetics (formerly Invitae), Labcorp
Classification: Uncertain significance for Familial adenomatous polyposis 1. Last evaluated: 2025-12-30. Review status: criteria provided, single submitter. Criteria: Invitae Variant Classification Sherloc (09022015). Collection method: clinical testing. Allele origin: germline.
Comment: This sequence change replaces glycine, which is neutral and non-polar, with glutamic acid, which is acidic and polar, at codon 2171 of the APC protein (p.Gly2171Glu). This variant is present in population databases (rs748745776, gnomAD 0.01%). This missense change has been observed in individual(s) with colon polyps and/or colorectal cancer and acute lymphocytic leukemia (PMID: 26580448, 31422818). ClinVar contains an entry for this variant (Variation ID: 470051). Invitae Evidence Modeling of protein sequence and biophysical properties (such as structural, functional, and spatial information, amino acid conservation, physicochemical variation, residue mobility, and thermodynamic stability) indicates that this missense variant is not expected to disrupt APC protein function with a negative predictive value of 95%. In summary, the available evidence is currently insufficient to determine the role of this variant in disease. Therefore, it has been classified as a Variant of Uncertain Significance.

Center for Genomic Medicine, Rigshospitalet, Copenhagen University Hospital
Classification: Likely benign. Last evaluated: 2025-03-04. Review status: criteria provided, single submitter. Criteria: ACMG Guidelines, 2015. Collection method: clinical testing. Allele origin: germline.

All of Us Research Program, National Institutes of Health
Classification: Uncertain significance for Classic or attenuated familial adenomatous polyposis. Last evaluated: 2024-08-29. Review status: criteria provided, single submitter. Criteria: ACMG Guidelines, 2015. Collection method: clinical testing. Allele origin: germline. Inheritance: Autosomal dominant inheritance. Observed: 7 variant alleles, 7 heterozygotes.
Comment: This missense variant replaces glycine with glutamic acid at codon 2171 of the APC protein. Computational prediction suggests that this variant may not impact protein structure and function (internally defined REVEL score threshold <= 0.5, PMID: 27666373). Splice site prediction tools suggest that this variant may not impact RNA splicing. To our knowledge, functional studies have not been reported for this variant. This variant has not been reported in individuals affected with hereditary cancer in the literature. This variant has been identified in 14/280842 chromosomes in the general population by the Genome Aggregation Database (gnomAD). The available evidence is insufficient to determine the role of this variant in disease conclusively. Therefore, this variant is classified as a Variant of Uncertain Significance.

This study involves interpretation of variants in research participants for the purpose of population health screening. Participant phenotype was not available at the time of variant classification. Additional details can be found in publication PMID: 35346344, PMCID: PMC8962531

Color Diagnostics, LLC DBA Color Health
Classification: Uncertain significance for Hereditary cancer-predisposing syndrome. Last evaluated: 2024-05-14. Review status: criteria provided, single submitter. Criteria: ACMG Guidelines, 2015. Collection method: clinical testing. Allele origin: germline.
Comment: This missense variant replaces glycine with glutamic acid at codon 2171 of the APC protein. Computational prediction suggests that this variant may not impact protein structure and function (internally defined REVEL score threshold <= 0.5, PMID: 27666373). To our knowledge, functional studies have not been reported for this variant. This variant has been reported in an individual affected with Lynch syndrome-associated cancer and/or polyps (PMID: 25980754, 31422818). This variant has been identified in 14/280842 chromosomes in the general population by the Genome Aggregation Database (gnomAD). The available evidence is insufficient to determine the role of this variant in disease conclusively. Therefore, this variant is classified as a Variant of Uncertain Significance.

GeneDx
Classification: Uncertain significance. Last evaluated: 2024-04-16. Review status: criteria provided, single submitter. Criteria: GeneDx Variant Classification Process June 2021. Collection method: clinical testing. Allele origin: germline.
Comment: In silico analysis supports that this missense variant does not alter protein structure/function; This variant is associated with the following publications: (PMID: 25980754, 26580448, 31422818)

Ambry Genetics
Classification: Likely benign for Hereditary cancer-predisposing syndrome. Last evaluated: 2023-01-10. Review status: criteria provided, single submitter. Criteria: Ambry Variant Classification Scheme 2023. Collection method: clinical testing. Allele origin: germline.

Women's Health and Genetics/Laboratory Corporation of America, LabCorp
Classification: Uncertain significance. Last evaluated: 2020-12-25. Review status: criteria provided, single submitter. Criteria: LabCorp Variant Classification Summary - May 2015. Collection method: clinical testing. Allele origin: germline.
Comment: Variant summary: APC c.6512G>A (p.Gly2171Glu) results in a non-conservative amino acid change in the encoded protein sequence. Four of five in-silico tools predict a damaging effect of the variant on protein function. The variant allele was found at a frequency of 5.2e-05 in 249444 control chromosomes, predominantly at a frequency of 0.00011 within the Non-Finnish European subpopulation in the gnomAD database. The observed variant frequency within Non-Finnish European control individuals in the gnomAD database is approximately 1.5 fold of the estimated maximal expected allele frequency for a pathogenic variant in APC causing Familial Adenomatous Polyposis phenotype (7.1e-05), strongly suggesting that the variant is a benign polymorphism found primarily in populations of Non-Finnish European origin. c.6512G>A has been reported in the literature in individuals undergoing multigene panel testing for Lynch syndrome (Yurgelun_2015), colorectal cancer/polyposis (Gordon_2019) and one case with B-ALL (Zhang_2015). These report(s) do not provide unequivocal conclusions about association of the variant with Familial Adenomatous Polyposis. To our knowledge, no experimental evidence demonstrating an impact on protein function has been reported. Four clinical diagnostic laboratories have submitted clinical-significance assessments for this variant to ClinVar after 2014 without evidence for independent evaluation. All laboratories classified the variant as uncertain significance, some citing overlapping evidence utilized in the context of this evaluation. Based on the evidence outlined above, the variant was classified as VUS-possibly benign.

Cambridge Genomics Laboratory, East Genomic Laboratory Hub, NHS Genomic Medicine Service
Classification: Uncertain significance for Cancer or benign tumor. Last evaluated: 2019-09-11. Review status: criteria provided, single submitter. Criteria: ACGS Best Practice Guidelines for Variant Classification in Rare Disease 2020. Collection method: clinical testing. Allele origin: germline. Affected: yes. Observed: 1 variant allele.

Laboratory for Molecular Medicine, Mass General Brigham Personalized Medicine
Classification: Uncertain significance. Last evaluated: 2017-02-20. Review status: criteria provided, single submitter. Criteria: LMM Criteria. Collection method: clinical testing. Allele origin: germline. Observed: 1 variant allele.
Comment: The p.Gly2171Glu variant in APC has not been previously reported in individuals with familial adenomatous polyposis or other APC-associated cancers but has been identified in 11/66074 of European chromosomes by the Exome Aggregation Consort ium (ExAC; dbSNP rs748745776). Computational pre diction tools and conservation analysis suggest that the p.Gly2171Glu variant ma y impact the protein, though this information is not predictive enough to determ ine pathogenicity. In summary, the clinical significance of the p.Gly2171Glu var iant is uncertain.

Literature cited by the submitters: PubMed 26580448 (cited by 3 submitters); PubMed 31422818 (cited by 4 submitters); PubMed 25980754 (cited by 3 submitters).